The following is an entry in ClinVar:

ClinVar aggregate classification (germline): Conflicting classifications of pathogenicity. Review status: criteria provided, conflicting classifications (1 of 4 stars). 2 submissions from 2 submitters: Uncertain significance (1); Benign (1). Last evaluated 2024-04-08.

Conditions:
Tuberous sclerosis 2 (TSC2). Identifiers: Orphanet 805, MedGen C1860707, MONDO:0013199, OMIM 613254.
Hereditary cancer-predisposing syndrome. Also called: Hereditary neoplastic syndrome; Tumor predisposition; Hereditary Cancer Syndrome; Neoplastic Syndromes, Hereditary. Identifiers: Orphanet 140162, MedGen C0027672, MeSH D009386, MONDO:0015356.

Allele frequency attached by ClinVar (database versions not stated): gnomAD exomes below 0.00001; gnomAD 0.00001; TOPMed 0.00001.
gnomAD v4.1: 2 of 1,613,980 alleles (0.00012%); highest among the groups gnomAD compares: African/African-American, 0.0013%; no homozygotes.

Submissions (2):

Labcorp Genetics (formerly Invitae), Labcorp
Classification: Benign for Tuberous sclerosis 2. Last evaluated: 2024-04-08. Review status: criteria provided, single submitter. Criteria: Invitae Variant Classification Sherloc (09022015). Collection method: clinical testing. Allele origin: germline.

Ambry Genetics
Classification: Uncertain significance for Hereditary cancer-predisposing syndrome. Last evaluated: 2022-11-22. Review status: criteria provided, single submitter. Criteria: Ambry Variant Classification Scheme 2023. Collection method: clinical testing. Allele origin: germline.
Comment: The p.V391A variant (also known as c.1172T>C), located in coding exon 11 of the TSC2 gene, results from a T to C substitution at nucleotide position 1172. The valine at codon 391 is replaced by alanine, an amino acid with similar properties. This amino acid position is well conserved in available vertebrate species. In addition, the in silico prediction for this alteration is inconclusive. Since supporting evidence is limited at this time, the clinical significance of this alteration remains unclear.

NM_000548.5(TSC2):c.1172T>C (p.Val391Ala)

Gene: TSC2 (TSC complex subunit 2; plus strand). Cytogenetic location: 16p13.3.
Variant type: single nucleotide variant.
Coding change: c.1172T>C on transcript NM_000548.5 (MANE Select); coding-DNA position 1172, T replaced by C.
Protein change: p.Val391Ala; replaces valine 391 with alanine.
Molecular consequence: missense variant.
Genome position (GRCh38, 1-based): chr16:2,061,923, T>C. VCF-style: chr16-2061923-T-C. GRCh37 (hg19) VCF-style: chr16-2111924-T-C.
Other names: c.1172T>C, p.Val391Ala (NM_001077183.3, NM_001114382.3, NM_001363528.2 and 3 more transcripts); c.1061T>C, p.Val354Ala (NM_001318827.2); c.1025T>C, p.Val342Ala (NM_001318829.2); c.572T>C, p.Val191Ala (NM_001318831.2); c.1205T>C, p.Val402Ala (NM_001318832.2); short protein forms V391A, V342A, V191A, V354A, V402A.
Identifiers: ClinVar variation 580592 (VCV000580592.10), dbSNP rs1414372155, ClinGen allele CA394320356.